The following is an entry in ClinVar:

ClinVar aggregate classification (germline): Likely benign. Review status: criteria provided, multiple submitters, no conflicts (2 of 4 stars). 2 submissions from 2 submitters: Likely benign (2). Last evaluated 2025-09-20.

Conditions:
Primary dilated cardiomyopathy (DCM). Also called: Dilated Cardiomyopathy. Identifiers: Orphanet 217604, MedGen C0007193, MeSH D002311, MONDO:0005021, HP:0001644. Inheritance: Various modes of inheritance.

Allele frequency attached by ClinVar (database versions not stated): ExAC 0.00004; gnomAD exomes 0.00004; TOPMed 0.00004; gnomAD 0.00005.
gnomAD v4.1: 123 of 1,581,428 alleles (0.0078%); highest among the groups gnomAD compares: Non-Finnish European, 0.01%; no homozygotes.

Submissions (2):

Labcorp Genetics (formerly Invitae), Labcorp
Classification: Likely benign for Primary dilated cardiomyopathy. Last evaluated: 2025-09-20. Review status: criteria provided, single submitter. Criteria: Invitae Variant Classification Sherloc (09022015). Collection method: clinical testing. Allele origin: germline.

GeneDx
Classification: Likely benign. Last evaluated: 2017-03-14. Review status: criteria provided, single submitter. Criteria: GeneDx Variant Classification (06012015). Collection method: clinical testing. Allele origin: germline. Affected: yes.
Comment: This variant is considered likely benign or benign based on one or more of the following criteria: it is a conservative change, it occurs at a poorly conserved position in the protein, it is predicted to be benign by multiple in silico algorithms, and/or has population frequency not consistent with disease.

NM_006393.3(NEBL):c.1671+12A>C

Gene: NEBL (nebulette; minus strand). Cytogenetic location: 10p12.31.
Variant type: single nucleotide variant.
Coding change: c.1671+12A>C on transcript NM_006393.3 (MANE Select); 12 bases into the intron after coding-DNA position 1671, A replaced by C.
Molecular consequence: intron variant.
Genome position (GRCh38, 1-based): chr10:20,831,184, T>G on the plus strand (A>C on the coding strand, the complement: NEBL is on the minus strand). VCF-style: chr10-20831184-T-G. GRCh37 (hg19) VCF-style: chr10-21120113-T-G.
Other names: c.250-18244A>C (NM_001377326.1, NM_001377327.1, NM_001377328.1); c.358-18244A>C (NM_213569.2, NM_001173484.2, NM_001377322.1); c.301-18244A>C (NM_001377324.1); c.292-18244A>C (NM_001377325.1); c.310-18244A>C (NM_001377323.1).
Identifiers: ClinVar variation 507965 (VCV000507965.6), dbSNP rs77445663, ClinGen allele CA5432789.